The following is an entry in ClinVar:

ClinVar aggregate classification (germline): Likely benign. Review status: criteria provided, multiple submitters, no conflicts (2 of 4 stars). 4 submissions from 4 submitters: Likely benign (4). Last evaluated 2024-12-12.

Conditions:
Hereditary breast ovarian cancer syndrome. Also called: Hereditary breast and ovarian cancer syndrome (HBOC); BRCA1- and BRCA2-Associated Hereditary Breast and Ovarian Cancer; Hereditary breast and/or ovarian cancer syndrome; Hereditary breast and ovarian cancer syndrome; Hereditary breast and ovarian cancer; Breast and ovarian cancer. Identifiers: Orphanet 145, MedGen C0677776, MeSH D061325, MONDO:0003582. Disease mechanism: loss of function.
Hereditary cancer-predisposing syndrome. Also called: Neoplastic Syndromes, Hereditary; Hereditary neoplastic syndrome; Tumor predisposition; Hereditary Cancer Syndrome. Identifiers: Orphanet 140162, MedGen C0027672, MeSH D009386, MONDO:0015356.
Breast-ovarian cancer, familial, susceptibility to, 1 (BROVCA1). Also called: BRCA1 Hereditary Breast and Ovarian Cancer; OVARIAN CANCER, SUSCEPTIBILITY TO. Identifiers: Orphanet 145, MedGen C2676676, MONDO:0011450, OMIM 604370. Disease mechanism: loss of function.

Allele frequency attached by ClinVar (database versions not stated): gnomAD below 0.00001; gnomAD exomes 0.00001; ExAC 0.00002.
gnomAD v4.1: 19 of 1,608,662 alleles (0.0012%); highest among the groups gnomAD compares: South Asian, 0.02%; no homozygotes.

Submissions (4):

Labcorp Genetics (formerly Invitae), Labcorp
Classification: Likely benign for Hereditary breast ovarian cancer syndrome. Last evaluated: 2024-12-12. Review status: criteria provided, single submitter. Criteria: Invitae Variant Classification Sherloc (09022015). Collection method: clinical testing. Allele origin: germline.

All of Us Research Program, National Institutes of Health
Classification: Likely benign for Breast-ovarian cancer, familial, susceptibility to, 1. Last evaluated: 2023-08-08. Review status: criteria provided, single submitter. Criteria: ACMG Guidelines, 2015. Collection method: clinical testing. Allele origin: germline. Inheritance: Autosomal dominant inheritance. Observed: 1 variant allele, 1 heterozygote.
Comment: This study involves interpretation of variants in research participants for the purpose of population health screening. Participant phenotype was not available at the time of variant classification. Additional details can be found in publication PMID: 35346344, PMCID: PMC8962531

Color Diagnostics, LLC DBA Color Health
Classification: Likely benign for Hereditary cancer-predisposing syndrome. Last evaluated: 2023-06-30. Review status: criteria provided, single submitter. Criteria: ACMG Guidelines, 2015. Collection method: clinical testing. Allele origin: germline.

Ambry Genetics
Classification: Likely benign for Hereditary cancer-predisposing syndrome. Last evaluated: 2022-10-12. Review status: criteria provided, single submitter. Criteria: Ambry Variant Classification Scheme 2023. Collection method: clinical testing. Allele origin: germline.

NM_007294.4(BRCA1):c.302-5T>A

Gene: BRCA1 (BRCA1 DNA repair associated; minus strand). Cytogenetic location: 17q21.31.
Variant type: single nucleotide variant.
Coding change: c.302-5T>A on transcript NM_007294.4 (MANE Select); 5 bases into the intron before coding-DNA position 302, T replaced by A.
Molecular consequence: intron variant.
Genome position (GRCh38, 1-based): chr17:43,104,266, A>T on the plus strand (T>A on the coding strand, the complement: BRCA1 is on the minus strand). VCF-style: chr17-43104266-A-T. GRCh37 (hg19) VCF-style: chr17-41256283-A-T.
Other names: c.161-5T>A (NM_001408458.1, NM_001407931.1, NM_001407747.1 and 99 more transcripts); c.-218-9406T>A (NM_001407967.1, NM_001407966.1); c.-80-5T>A (NM_001407959.1, NM_001407962.1, NM_001408512.1 and 4 more transcripts); c.92-5T>A (NM_001407885.1, NM_001407886.1, NM_001407898.1 and 58 more transcripts); c.302-5T>A (NM_001407686.1, NM_001408397.1, NM_001407632.1 and 164 more transcripts); c.170-5T>A (NM_001408451.1); c.224-5T>A (NM_001408475.1, NM_001407875.1, NM_001407659.1 and 21 more transcripts); c.293-5T>A (NM_001408408.1, NM_001407647.1, NM_001407646.1).
Identifiers: ClinVar variation 462599 (VCV000462599.18), dbSNP rs778668665, ClinGen allele CA055667.
Genomic context (GRCh38, chr17:43,104,266, plus strand): 5'-TTTTAGATGTTCAGGAGAGTTATTTTCCTTTTTTGCAAAATTATAGCTGTTTGCATCTGT[A>T]AAATACAAGGGAAAACATTATGTTTGCAGTTAGAGAAAAATGTATGAATTATAATCAAAG-3'